The following is an entry in ClinVar:

NM_000718.4(CACNA1B):c.4270dup (p.Asp1424fs)

Gene: CACNA1B (calcium voltage-gated channel subunit alpha1 B; plus strand). Cytogenetic location: 9q34.3.
Variant type: Duplication.
Coding change: c.4270dup on transcript NM_000718.4 (MANE Select); coding-DNA position 4270, one base duplicated (G; older notation c.4270dupG).
Protein change: p.Asp1424fs; shifts the reading frame from aspartic acid 1424.
Molecular consequence: frameshift variant.
Genome position (GRCh38, 1-based): chr9:138,058,212, G duplicated; the last of 5 consecutive G bases (chr9:138,058,208-138,058,212); duplicating any one gives the same sequence. VCF-style (leftmost placement, unchanged base first): chr9-138058207-A-AG. GRCh37 (hg19) VCF-style: chr9-140952659-A-AG.
Other names: c.4270dup, p.Asp1424fs (NM_001243812.2); short protein forms D1424fs.
Identifiers: ClinVar variation 3654065 (VCV003654065.2).
Genomic context (GRCh38, chr9:138,058,207, plus strand): 5'-TCTTTCCCTTCTTCTTCGTCAACATCTTTGTGGCTTTGATCATCATCACCTTCCAGGAGC[A>AG]GGGGGACAAGGTGATGTCTGAATGCAGCCTGGAGAAGAACGAGGTAGGTGGACGCTCTGT-3'

ClinVar aggregate classification (germline): Pathogenic (1 of 4 stars; one submission).

Submission:

Labcorp Genetics (formerly Invitae), Labcorp
Classification: Pathogenic. Last evaluated: 2024-05-21. Review status: criteria provided, single submitter. Criteria: Invitae Variant Classification Sherloc (09022015). Collection method: clinical testing. Allele origin: germline.
Comment: This sequence change creates a premature translational stop signal (p.Asp1424Glyfs*6) in the CACNA1B gene. It is expected to result in an absent or disrupted protein product. Loss-of-function variants in CACNA1B are known to be pathogenic (PMID: 30982612). This variant is not present in population databases (gnomAD no frequency). This variant has not been reported in the literature in individuals affected with CACNA1B-related conditions. For these reasons, this variant has been classified as Pathogenic.

Literature cited by the submitters: PubMed 30982612.